The following is an entry in ClinVar:

NM_001083962.2(TCF4):c.1417C>G (p.Pro473Ala)

Gene: TCF4 (transcription factor 4; minus strand). Cytogenetic location: 18q21.2.
Variant type: single nucleotide variant.
Coding change: c.1417C>G on transcript NM_001083962.2 (MANE Select); coding-DNA position 1417, C replaced by G.
Protein change: p.Pro473Ala; replaces proline 473 with alanine.
Molecular consequence: missense variant.
Genome position (GRCh38, 1-based): chr18:55,234,617, G>C on the plus strand (C>G on the coding strand, the complement: TCF4 is on the minus strand). VCF-style: chr18-55234617-G-C. GRCh37 (hg19) VCF-style: chr18-52901848-G-C.
Other names: c.1723C>G, p.Pro575Ala (NM_001243226.3); c.1345C>G, p.Pro449Ala (NM_001243227.2, NM_001348217.1, NM_001369575.1 and 5 more transcripts); c.1414C>G, p.Pro472Ala (NM_001330604.3, NM_001369574.1, NM_001369569.1 and 2 more transcripts); c.1027C>G, p.Pro343Ala (NM_001330605.3, NM_001348212.2, NM_001348213.2 and 1 more transcripts); c.1291C>G, p.Pro431Ala (NM_001348211.2, NM_001243231.2); c.934C>G, p.Pro312Ala (NM_001348214.2); c.769C>G, p.Pro257Ala (NM_001348215.2); c.937C>G, p.Pro313Ala (NM_001348216.2, NM_001243234.2, NM_001243235.2 and 1 more transcripts); and 6 more; short protein forms P431A, P472A, P575A, P313A, P402A, P343A, P448A, P449A.
Identifiers: ClinVar variation 2754982 (VCV002754982.3), dbSNP rs2048837169, ClinGen allele CA402531858.

ClinVar aggregate classification (germline): Uncertain significance (1 of 4 stars; one submission).

Conditions:
Pitt-Hopkins syndrome (PTHS). Also called: ENCEPHALOPATHY, SEVERE EPILEPTIC, WITH AUTONOMIC DYSFUNCTION; MENTAL RETARDATION, SYNDROMAL, WITH INTERMITTENT HYPERVENTILATION. Identifiers: Orphanet 2896, MedGen C1970431, MONDO:0012589, OMIM 610954.

Submission:

Labcorp Genetics (formerly Invitae), Labcorp
Classification: Uncertain significance for Pitt-Hopkins syndrome. Last evaluated: 2023-08-24. Review status: criteria provided, single submitter. Criteria: Invitae Variant Classification Sherloc (09022015). Collection method: clinical testing. Allele origin: germline.
Comment: This variant is not present in population databases (gnomAD no frequency). This sequence change replaces proline, which is neutral and non-polar, with alanine, which is neutral and non-polar, at codon 473 of the TCF4 protein (p.Pro473Ala). This variant has not been reported in the literature in individuals affected with TCF4-related conditions. In summary, the available evidence is currently insufficient to determine the role of this variant in disease. Therefore, it has been classified as a Variant of Uncertain Significance. Advanced modeling of protein sequence and biophysical properties (such as structural, functional, and spatial information, amino acid conservation, physicochemical variation, residue mobility, and thermodynamic stability) performed at Invitae indicates that this missense variant is not expected to disrupt TCF4 protein function.